The following is an entry in ClinVar:

ClinVar aggregate classification (germline): Pathogenic. Review status: criteria provided, multiple submitters, no conflicts (2 of 4 stars). 11 submissions from 11 submitters: Pathogenic (11). Last evaluated 2026-01-07.

Conditions:
Breast-ovarian cancer, familial, susceptibility to, 3. Also called: RAD51C-Related Breast/Ovarian Cancer. Identifiers: Orphanet 145, MedGen C3150659, MONDO:0013253, OMIM 613399.
Fanconi anemia complementation group O. Also called: RAD51C-Related Fanconi Anemia. Identifiers: Orphanet 84, MedGen C3150653, MONDO:0013248, OMIM 613390.
Hereditary breast ovarian cancer syndrome. Also called: Hereditary breast and ovarian cancer; Hereditary breast and ovarian cancer syndrome (HBOC); Hereditary breast and ovarian cancer syndrome; Breast and ovarian cancer; BRCA1- and BRCA2-Associated Hereditary Breast and Ovarian Cancer; Hereditary breast and/or ovarian cancer syndrome. Identifiers: Orphanet 145, MedGen C0677776, MeSH D061325, MONDO:0003582. Disease mechanism: loss of function.
Hereditary cancer-predisposing syndrome. Also called: Tumor predisposition; Hereditary neoplastic syndrome; Neoplastic Syndromes, Hereditary; Hereditary Cancer Syndrome. Identifiers: Orphanet 140162, MedGen C0027672, MeSH D009386, MONDO:0015356.

Submissions (11):

Dasa
Classification: Pathogenic. Last evaluated: 2026-01-07. Review status: criteria provided, single submitter. Criteria: DASA Assertion Criteria. Collection method: clinical testing. Allele origin: germline.
Comment: NM_058216.3(RAD51C):c.890_899del (p.Leu297HisfsTer2) is a frameshift variant in RAD51C predicted to alter the reading frame and introduce a premature termination codon and is predicted to result in an absent or altered protein product. Loss of function is an established disease mechanism for RAD51C (PMID: 21990120; PMID: 24800917; PMID: 20400964). This variant has been reported in individuals with RAD51C-related disorders. Also, this variant is rare in population databases. Based on the currently available evidence, this variant is classified as pathogenic.

Color Diagnostics, LLC DBA Color Health
Classification: Pathogenic for Hereditary cancer-predisposing syndrome. Last evaluated: 2025-12-08. Review status: criteria provided, single submitter. Criteria: ACMG Guidelines, 2015. Collection method: clinical testing. Allele origin: germline.
Comment: This variant deletes 10 nucleotides in exon 6 of the RAD51C gene, creating a frameshift and premature translation stop signal. This variant is expected to result in an absent or non-functional protein product. This variant has been reported in one individual each affected with ovarian cancer (PMID: 29255180), breast and ovarian cancer (PMID: 33326660), bladder and prostate cancer (PMID: 29659569) and an individual affected with Lynch syndrome-associated cancer and/or polyps (PMID: 25980754). This variant has been identified in 1/1612308 chromosomes in the general population by the Genome Aggregation Database (gnomAD). Loss of RAD51C function is a known mechanism of disease. Based on the available evidence, this variant is classified as Pathogenic.

Labcorp Genetics (formerly Invitae), Labcorp
Classification: Pathogenic for Fanconi anemia complementation group O. Last evaluated: 2025-09-02. Review status: criteria provided, single submitter. Criteria: Invitae Variant Classification Sherloc (09022015). Collection method: clinical testing. Allele origin: germline.
Comment: This sequence change creates a premature translational stop signal (p.Leu297Hisfs*2) in the RAD51C gene. It is expected to result in an absent or disrupted protein product. Loss-of-function variants in RAD51C are known to be pathogenic (PMID: 20400964, 21990120, 24800917, 29278735). This variant is not present in population databases (gnomAD no frequency). This premature translational stop signal has been observed in individual(s) with ovarian cancer (PMID: 25980754, 29255180, 29659569). ClinVar contains an entry for this variant (Variation ID: 484744). Studies have shown that this premature translational stop signal is associated with inconclusive levels of altered splicing (internal data). For these reasons, this variant has been classified as Pathogenic.

Baylor Genetics
Classification: Pathogenic for Breast-ovarian cancer, familial, susceptibility to, 3. Last evaluated: 2024-03-22. Review status: criteria provided, single submitter. Criteria: ACMG Guidelines, 2015. Collection method: clinical testing. Allele origin: unknown.

Myriad Genetics, Inc.
Classification: Pathogenic for Breast-ovarian cancer, familial, susceptibility to, 3. Last evaluated: 2024-01-03. Review status: criteria provided, single submitter. Criteria: Myriad Autosomal Dominant, Autosomal Recessive and X-Linked Classification Criteria (2023). Collection method: clinical testing. Allele origin: unknown.
Comment: This variant is considered pathogenic. This variant creates a frameshift predicted to result in premature protein truncation.

GeneDx
Classification: Pathogenic. Last evaluated: 2023-06-16. Review status: criteria provided, single submitter. Criteria: GeneDx Variant Classification Process June 2021. Collection method: clinical testing. Allele origin: germline. Affected: yes.
Comment: Frameshift variant predicted to result in protein truncation or nonsense mediated decay in a gene for which loss-of-function is a known mechanism of disease; Not observed at significant frequency in large population cohorts (gnomAD); This variant is associated with the following publications: (PMID: 25980754, Monteiro2019[MtgAbstract], 29659569, Cardoso2018[Thesis], 27535533, Teixeira2023[preprint], 33258288, 35264596, 33326660, 29255180, 36119527)

Ambry Genetics
Classification: Pathogenic for Hereditary cancer-predisposing syndrome. Last evaluated: 2023-05-03. Review status: criteria provided, single submitter. Criteria: Ambry Variant Classification Scheme 2023. Collection method: clinical testing. Allele origin: germline.
Comment: The c.890_899del10 pathogenic mutation, located in coding exon 6 of the RAD51C gene, results from a deletion of 10 nucleotides at nucleotide positions 890 to 899, causing a translational frameshift with a predicted alternate stop codon (p.L297Hfs*2). This alteration has been identified in a cohort of 2649 consecutive cases of breast and/or ovarian cancer and in an individual diagnosed with prostate cancer (Golmard L et al. Eur. J. Hum. Genet., 2017 12;25:1345-1353; Paulo P et al. PLoS Genet., 2018 04;14:e1007355). In addition to the clinical data presented in the literature, this alteration is expected to result in loss of function by premature protein truncation or nonsense-mediated mRNA decay. As such, this alteration is interpreted as a disease-causing mutation.

Sema4
Classification: Pathogenic for Hereditary cancer-predisposing syndrome. Last evaluated: 2021-12-20. Review status: criteria provided, single submitter. Criteria: Sema4 Curation Guidelines. Collection method: curation. Allele origin: germline.
Comment: The RAD51C c.890_899del (p.L297HfsX2) variant has been reported in at least five individuals with ovarian cancer, suspected Lynch syndrome, bladder and prostate cancer (PMID: 25980754, 29659569, 33326660, 29255180), and in a pediatric patient with a neurodevelopmental disorder and a familial history of cancer (PMID: 33258288). This variant causes a frameshift at amino acid 297 that results in premature termination 2 amino acids downstream. At this location, this is predicted to cause nonsense-mediated decay and result in an absent protein (loss of function). Loss of function variants in RAD51C are known to be pathogenic (PMID: 20400964). This variant was not observed in the large and broad cohorts of the Genome Aggregation Database (PMID: 32461654). This variant has been reported in ClinVar (Variation ID: 484744). Based on the current evidence available, this variant is interpreted as pathogenic.

Molecular Oncology Research Center, Barretos Cancer Hospital
Classification: Pathogenic for Hereditary breast ovarian cancer syndrome. Last evaluated: 2020-08-01. Review status: criteria provided, single submitter. Criteria: ACMG Guidelines, 2015. Collection method: research. Allele origin: germline. Affected: yes. Observed: 1 variant allele.

Mendelics
Classification: Pathogenic for Fanconi anemia complementation group O. Last evaluated: 2019-05-28. Review status: criteria provided, single submitter. Criteria: Mendelics Assertion Criteria 2017. Collection method: clinical testing. Allele origin: unknown.

Genesis Genomics
Classification: Pathogenic for Breast-ovarian cancer, familial, susceptibility to, 3. Review status: criteria provided, single submitter. Criteria: ACMG Guidelines, 2015. Collection method: clinical testing. Allele origin: germline. Affected: yes. Observed: 1 variant allele.

Literature cited by the submitters: PubMed 21990120 (cited by Dasa and Labcorp Genetics (formerly Invitae), Labcorp); PubMed 24800917 (cited by Dasa and Labcorp Genetics (formerly Invitae), Labcorp); PubMed 20400964 (cited by 3 submitters); PubMed 25980754 (cited by 3 submitters); PubMed 29255180 (cited by 4 submitters); PubMed 29659569 (cited by 4 submitters); PubMed 33326660 (cited by Color Diagnostics, LLC DBA Color Health and Sema4); PubMed 29278735 (cited by Labcorp Genetics (formerly Invitae), Labcorp); PubMed 33258288 (cited by Sema4).

NM_058216.3(RAD51C):c.890_899del (p.Leu297fs)

Gene: RAD51C (RAD51 paralog C; plus strand). Cytogenetic location: 17q22.
Variant type: Deletion.
Coding change: c.890_899del on transcript NM_058216.3 (MANE Select); coding-DNA positions 890 to 899, 10 bases deleted (TTGTTCCTGC; older notation c.890_899delTTGTTCCTGC).
Protein change: p.Leu297fs; shifts the reading frame from leucine 297.
Molecular consequence: frameshift variant. On other transcripts: non-coding transcript variant (1).
Genome position (GRCh38, 1-based): chr17:58,720,798-58,720,807, TTGTTCCTGC deleted; deleting any 10 consecutive bases within chr17:58,720,795-58,720,807 gives the same sequence; the c. name uses the placement nearest the transcript's 3' end. VCF-style (leftmost placement, unchanged base first): chr17-58720794-TTGCTTGTTCC-T. GRCh37 (hg19) VCF-style: chr17-56798155-TTGCTTGTTCC-T.
Other names: c.890_899delTTGTTCCTGC (NM_058216.3, NM_058216.1); c.890_899del (NM_058216.2, NM_058216.1); short protein forms L297fs.
Identifiers: ClinVar variation 484744 (VCV000484744.31), dbSNP rs1555602141, ClinGen allele CA658658626.